The following is an entry in ClinVar:

NM_022835.3(PLEKHG2):c.1451C>T (p.Pro484Leu)

Gene: PLEKHG2 (pleckstrin homology and RhoGEF domain containing G2; plus strand). Cytogenetic location: 19q13.2.
Variant type: single nucleotide variant.
Coding change: c.1451C>T on transcript NM_022835.3 (MANE Select); coding-DNA position 1451, C replaced by T.
Protein change: p.Pro484Leu; replaces proline 484 with leucine.
Molecular consequence: missense variant.
Genome position (GRCh38, 1-based): chr19:39,421,078, C>T. VCF-style: chr19-39421078-C-T. GRCh37 (hg19) VCF-style: chr19-39911718-C-T.
Other names: c.1274C>T, p.Pro425Leu (NM_001351693.2); c.1451C>T, p.Pro484Leu (NM_001351694.2); short protein forms P425L, P484L.
Identifiers: ClinVar variation 3934122 (VCV003934122.3).

ClinVar aggregate classification (germline): Uncertain significance. Review status: criteria provided, multiple submitters, no conflicts (2 of 4 stars). 2 submissions from 2 submitters: Uncertain significance (2). Last evaluated 2026-02-10.

gnomAD v4.1: 47 of 1,612,226 alleles (0.0029%); highest among the groups gnomAD compares: Non-Finnish European, 0.0039%; no homozygotes.

Submissions (2):

GeneDx
Classification: Uncertain significance. Last evaluated: 2026-02-10. Review status: criteria provided, single submitter. Criteria: GeneDx Variant Classification Process June 2021. Collection method: clinical testing. Allele origin: germline.
Comment: Not observed at significant frequency in large population cohorts (gnomAD); In silico analysis supports that this missense variant has a deleterious effect on protein structure/function; Has not been previously published as pathogenic or benign to our knowledge

Ambry Genetics
Classification: Uncertain significance. Last evaluated: 2025-05-07. Review status: criteria provided, single submitter. Criteria: Ambry Variant Classification Scheme 2023. Collection method: clinical testing. Allele origin: germline.